The following is an entry in ClinVar:

ClinVar aggregate classification (germline): Uncertain significance. Review status: criteria provided, multiple submitters, no conflicts (2 of 4 stars). 3 submissions from 3 submitters: Uncertain significance (3). Last evaluated 2026-02-01.

Conditions:
Inborn genetic diseases. Identifiers: MedGen C0950123, MeSH D030342.

Allele frequency attached by ClinVar (database versions not stated): gnomAD exomes 0.00001.
gnomAD v4.1: 9 of 1,614,174 alleles (0.00056%); highest among the groups gnomAD compares: African/African-American, 0.0027%; no homozygotes.

Submissions (3):

CeGaT Center for Human Genetics Tuebingen
Classification: Uncertain significance. Last evaluated: 2026-02-01. Review status: criteria provided, single submitter. Criteria: CeGaT Center For Human Genetics Tuebingen Variant Classification Criteria Version 2. Collection method: clinical testing. Allele origin: germline. Affected: yes. Observed: 1 variant allele.
Comment: SLC12A6: PM2, PP3

Ambry Genetics
Classification: Uncertain significance for Inborn genetic diseases. Last evaluated: 2024-03-31. Review status: criteria provided, single submitter. Criteria: Ambry Variant Classification Scheme 2023. Collection method: clinical testing. Allele origin: germline.

Labcorp Genetics (formerly Invitae), Labcorp
Classification: Uncertain significance. Last evaluated: 2022-08-03. Review status: criteria provided, single submitter. Criteria: Invitae Variant Classification Sherloc (09022015). Collection method: clinical testing. Allele origin: germline.
Comment: This sequence change replaces threonine, which is neutral and polar, with methionine, which is neutral and non-polar, at codon 855 of the SLC12A6 protein (p.Thr855Met). This variant is present in population databases (no rsID available, gnomAD 0.007%). This variant has not been reported in the literature in individuals affected with SLC12A6-related conditions. Advanced modeling of protein sequence and biophysical properties (such as structural, functional, and spatial information, amino acid conservation, physicochemical variation, residue mobility, and thermodynamic stability) performed at Invitae indicates that this missense variant is expected to disrupt SLC12A6 protein function. In summary, the available evidence is currently insufficient to determine the role of this variant in disease. Therefore, it has been classified as a Variant of Uncertain Significance.

NM_001365088.1(SLC12A6):c.2564C>T (p.Thr855Met)

Genes: SLC12A6 (solute carrier family 12 member 6; minus strand), LOC126862097 (P300/CBP strongly-dependent group 1 enhancer GRCh37_chr15:34531007-34532206; plus strand). Cytogenetic location: 15q14.
Variant type: single nucleotide variant.
Coding change: c.2564C>T on transcript NM_001365088.1 (MANE Select); coding-DNA position 2564, C replaced by T.
Protein change: p.Thr855Met; replaces threonine 855 with methionine.
Molecular consequence: missense variant.
Genome position (GRCh38, 1-based): chr15:34,239,033, G>A on the plus strand (C>T on the coding strand, the complement: SLC12A6 is on the minus strand). VCF-style: chr15-34239033-G-A. GRCh37 (hg19) VCF-style: chr15-34531234-G-A.
Other names: c.2387C>T, p.Thr796Met (NM_001042494.2, NM_001042495.2); c.2537C>T, p.Thr846Met (NM_001042496.2); c.2519C>T, p.Thr840Met (NM_001042497.2); c.2411C>T, p.Thr804Met (NM_005135.2); c.2564C>T, p.Thr855Met (NM_133647.2); short protein forms T840M, T855M, T846M, T796M, T804M.
Identifiers: ClinVar variation 1920477 (VCV001920477.7), dbSNP rs1260764451, ClinGen allele CA391619236.